The following is an entry in ClinVar:

ClinVar aggregate classification (germline): Uncertain significance. Review status: criteria provided, multiple submitters, no conflicts (2 of 4 stars). 2 submissions from 2 submitters: Uncertain significance (2). Last evaluated 2023-12-12.

Conditions:
Inborn genetic diseases. Identifiers: MedGen C0950123, MeSH D030342.

Allele frequency attached by ClinVar (database versions not stated): gnomAD 0.00001; gnomAD exomes below 0.00001; ExAC 0.00001; TOPMed 0.00002.
gnomAD v4.1: 4 of 1,603,546 alleles (0.00025%); highest among the groups gnomAD compares: East Asian, 0.0045%; no homozygotes.

Submissions (2):

Ambry Genetics
Classification: Uncertain significance for Inborn genetic diseases. Last evaluated: 2023-12-12. Review status: criteria provided, single submitter. Criteria: Ambry Variant Classification Scheme 2023. Collection method: clinical testing. Allele origin: germline.

Labcorp Genetics (formerly Invitae), Labcorp
Classification: Uncertain significance. Last evaluated: 2022-07-12. Review status: criteria provided, single submitter. Criteria: Invitae Variant Classification Sherloc (09022015). Collection method: clinical testing. Allele origin: germline.
Comment: This variant is present in population databases (rs779716813, gnomAD 0.01%). This sequence change replaces methionine, which is neutral and non-polar, with valine, which is neutral and non-polar, at codon 351 of the PEX3 protein (p.Met351Val). This variant has not been reported in the literature in individuals affected with PEX3-related conditions. ClinVar contains an entry for this variant (Variation ID: 1020463). Algorithms developed to predict the effect of missense changes on protein structure and function (SIFT, PolyPhen-2, Align-GVGD) all suggest that this variant is likely to be tolerated. Algorithms developed to predict the effect of sequence changes on RNA splicing suggest that this variant may create or strengthen a splice site. In summary, the available evidence is currently insufficient to determine the role of this variant in disease. Therefore, it has been classified as a Variant of Uncertain Significance.

NM_003630.3(PEX3):c.1051A>G (p.Met351Val)

Gene: PEX3 (peroxisomal biogenesis factor 3; plus strand). Cytogenetic location: 6q24.2.
Variant type: single nucleotide variant.
Coding change: c.1051A>G on transcript NM_003630.3 (MANE Select); coding-DNA position 1051, A replaced by G.
Protein change: p.Met351Val; replaces methionine 351 with valine.
Molecular consequence: missense variant.
Genome position (GRCh38, 1-based): chr6:143,489,155, A>G. VCF-style: chr6-143489155-A-G. GRCh37 (hg19) VCF-style: chr6-143810292-A-G.
Other names: c.1051A>G (NM_003630.2); short protein forms M351V.
Identifiers: ClinVar variation 1020463 (VCV001020463.10), dbSNP rs779716813, ClinGen allele CA4029744.